The following is an entry in ClinVar:

NM_000836.4(GRIN2D):c.1067G>A (p.Arg356His)

Gene: GRIN2D (glutamate ionotropic receptor NMDA type subunit 2D; plus strand). Cytogenetic location: 19q13.33.
Variant type: single nucleotide variant.
Coding change: c.1067G>A on transcript NM_000836.4 (MANE Select); coding-DNA position 1067, G replaced by A.
Protein change: p.Arg356His; replaces arginine 356 with histidine.
Molecular consequence: missense variant.
Genome position (GRCh38, 1-based): chr19:48,405,335, G>A. VCF-style: chr19-48405335-G-A. GRCh37 (hg19) VCF-style: chr19-48908592-G-A.
Other names: short protein forms R356H.
Identifiers: ClinVar variation 1524169 (VCV001524169.6), dbSNP rs369036985, ClinGen allele CA9550448.

ClinVar aggregate classification (germline): Uncertain significance (1 of 4 stars; one submission).

Allele frequency attached by ClinVar (database versions not stated): gnomAD exomes below 0.00001; ExAC 0.00001; gnomAD 0.00001; TOPMed 0.00001; ESP Exome Variant Server 0.00008.
gnomAD v4.1: 1 of 1,589,138 alleles (0.000063%); highest among the groups gnomAD compares: African/African-American, 0.0013%; no homozygotes.

Submission:

Labcorp Genetics (formerly Invitae), Labcorp
Classification: Uncertain significance. Last evaluated: 2025-08-16. Review status: criteria provided, single submitter. Criteria: Invitae Variant Classification Sherloc (09022015). Collection method: clinical testing. Allele origin: germline.
Comment: This sequence change replaces arginine, which is basic and polar, with histidine, which is basic and polar, at codon 356 of the GRIN2D protein (p.Arg356His). The frequency data for this variant in the population databases is considered unreliable, as metrics indicate poor data quality at this position in the gnomAD database. This variant has not been reported in the literature in individuals affected with GRIN2D-related conditions. ClinVar contains an entry for this variant (Variation ID: 1524169). Invitae Evidence Modeling of protein sequence and biophysical properties (such as structural, functional, and spatial information, amino acid conservation, physicochemical variation, residue mobility, and thermodynamic stability) indicates that this missense variant is not expected to disrupt GRIN2D protein function with a negative predictive value of 80%. In summary, the available evidence is currently insufficient to determine the role of this variant in disease. Therefore, it has been classified as a Variant of Uncertain Significance.